The following is an entry in ClinVar:

ClinVar aggregate classification (germline): Likely benign (1 of 4 stars; one submission).

Allele frequency attached by ClinVar (database versions not stated): TOPMed 0.00032; gnomAD 0.00044; ESP Exome Variant Server 0.00046; 1000 Genomes Project 0.00060; 1000 Genomes Project 30x 0.00062; ExAC 0.00099.
gnomAD v4.1: 696 of 1,567,622 alleles (0.044%); highest among the groups gnomAD compares: South Asian, 0.47%; 8 homozygotes.

Submission:

CeGaT Center for Human Genetics Tuebingen
Classification: Likely benign. Last evaluated: 2022-08-01. Review status: criteria provided, single submitter. Criteria: CeGaT Center For Human Genetics Tuebingen Variant Classification Criteria Version 2. Collection method: clinical testing. Allele origin: germline. Affected: yes. Observed: 1 variant allele.
Comment: LILRB2: BP4, BP7

NM_001080978.4(LILRB2):c.1095A>C (p.Pro365=)

Gene: LILRB2 (leukocyte immunoglobulin like receptor B2; minus strand). Cytogenetic location: 19q13.42.
Variant type: single nucleotide variant.
Coding change: c.1095A>C on transcript NM_001080978.4 (MANE Select); coding-DNA position 1095, A replaced by C.
Protein change: p.Pro365=; no amino-acid change (proline 365 retained).
Molecular consequence: synonymous variant. On other transcripts: non-coding transcript variant (1).
Genome position (GRCh38, 1-based): chr19:54,278,423, T>G on the plus strand (A>C on the coding strand, the complement: LILRB2 is on the minus strand). VCF-style: chr19-54278423-T-G. GRCh37 (hg19) VCF-style: chr19-54782277-T-G.
Other names: c.1095A>C, p.Pro365= (NM_001278403.3, NM_001278405.2, NM_001278406.2 and 1 more transcripts); c.747A>C, p.Pro249= (NM_001278404.3).
Identifiers: ClinVar variation 2650442 (VCV002650442.24), dbSNP rs139074135, ClinGen allele CA309448601.
Genomic context (GRCh38, chr19:54,278,423, plus strand): 5'-AGGACTCATGGGGAATTCAGCCTGGTACTTAGGATATTCGTGTATTGATCTTAGACGGAG[T>G]GGGGCATCAGCTGCTCCCGCCTTGGTCAGAAGGAAAGTGTGGAACTGCCGCCATGACTGA-3'
Protein context (NP_001074447.2, residues 355-375): LLTKAGAADA[Pro365=]LRLRSIHEYP